The following is an entry in ClinVar:

ClinVar aggregate classification (germline): Uncertain significance (1 of 4 stars; one submission).

Submission:

Women's Health and Genetics/Laboratory Corporation of America, LabCorp
Classification: Uncertain significance. Last evaluated: 2022-09-20. Review status: criteria provided, single submitter. Criteria: LabCorp Variant Classification Summary - May 2015. Collection method: clinical testing. Allele origin: germline.
Comment: Variant summary: The variant identified by MLPA or other technology involves the deletion of exons 15-16 in the MAN2B1 gene. A presumed nomenclature of c.(1830+1_1831-1)_(2046+1_2047-1)del has been designated for the purposes of this classification. Although exact breakpoints of this deletion are not known, it is expected to result in a large in-frame deletion change in the MAN2B1 gene, removing 72 amino acids (predicted protein level effect: p.His611_Lys682del), affecting the C-terminal domain (amino acids 607-823; IPR011682) of the protein. The variant was absent in 21694 control chromosomes in the gnomAD database, structural variants dataset. To our knowledge, no occurrence of c.(1830+1_1831-1)_(2046+1_2047-1)del in individuals affected with Alpha-Mannosidosis and no experimental evidence demonstrating its impact on protein function have been reported. No clinical diagnostic laboratories have submitted clinical-significance assessments for this variant to ClinVar after 2014. Based on the evidence outlined above, the variant was classified as VUS-possibly pathogenic.

NC_000019.9:g.(12761037_12762966)_(12763275_12766507)del

Gene: MAN2B1 (mannosidase alpha class 2B member 1; minus strand). Cytogenetic location: 19p13.2.
Variant type: Deletion.
Identifiers: ClinVar variation 1722357 (VCV001722357.1).